The following is an entry in ClinVar:

ClinVar aggregate classification (germline): Uncertain significance. Review status: criteria provided, multiple submitters, no conflicts (2 of 4 stars). 2 submissions from 2 submitters: Uncertain significance (2). Last evaluated 2024-01-03.

Allele frequency attached by ClinVar (database versions not stated): gnomAD exomes below 0.00001; TOPMed 0.00001.
gnomAD v4.1: 1 of 1,614,208 alleles (0.000062%); highest among the groups gnomAD compares: Non-Finnish European, 0.000085%; no homozygotes.

Submissions (2):

Ambry Genetics
Classification: Uncertain significance. Last evaluated: 2024-01-03. Review status: criteria provided, single submitter. Criteria: Ambry Variant Classification Scheme 2023. Collection method: clinical testing. Allele origin: germline.

Labcorp Genetics (formerly Invitae), Labcorp
Classification: Uncertain significance. Last evaluated: 2023-08-14. Review status: criteria provided, single submitter. Criteria: Invitae Variant Classification Sherloc (09022015). Collection method: clinical testing. Allele origin: germline.
Comment: This sequence change replaces serine, which is neutral and polar, with alanine, which is neutral and non-polar, at codon 276 of the RFWD3 protein (p.Ser276Ala). This variant is not present in population databases (gnomAD no frequency). This variant has not been reported in the literature in individuals affected with RFWD3-related conditions. Algorithms developed to predict the effect of missense changes on protein structure and function output the following: SIFT: "Not Available"; PolyPhen-2: "Benign"; Align-GVGD: "Not Available". The alanine amino acid residue is found in multiple mammalian species, which suggests that this missense change does not adversely affect protein function. In summary, the available evidence is currently insufficient to determine the role of this variant in disease. Therefore, it has been classified as a Variant of Uncertain Significance.

NM_018124.4(RFWD3):c.826T>G (p.Ser276Ala)

Gene: RFWD3 (ring finger and WD repeat domain 3; minus strand). Cytogenetic location: 16q23.1.
Variant type: single nucleotide variant.
Coding change: c.826T>G on transcript NM_018124.4 (MANE Select); coding-DNA position 826, T replaced by G.
Protein change: p.Ser276Ala; replaces serine 276 with alanine.
Molecular consequence: missense variant. On other transcripts: 5 prime UTR variant (5).
Genome position (GRCh38, 1-based): chr16:74,644,702, A>C on the plus strand (T>G on the coding strand, the complement: RFWD3 is on the minus strand). VCF-style: chr16-74644702-A-C. GRCh37 (hg19) VCF-style: chr16-74678600-A-C.
Other names: c.826T>G (NM_018124.3); c.826T>G, p.Ser276Ala (NM_001370534.1, NM_001370535.1, NM_001370536.1); c.-9T>G (NM_001370537.1, NM_001370539.1, NM_001370540.1 and 3 more transcripts); short protein forms S276A.
Identifiers: ClinVar variation 3016014 (VCV003016014.4), dbSNP rs1332565652, ClinGen allele CA396763069.